The following is an entry in ClinVar:

NM_000515.5(GH1):c.452T>C (p.Met151Thr)

Genes: GH1 (growth hormone 1; minus strand), GH-LCR (growth hormone locus control region; plus strand). Cytogenetic location: 17q23.3.
Variant type: single nucleotide variant.
Coding change: c.452T>C on transcript NM_000515.5 (MANE Select); coding-DNA position 452, T replaced by C.
Protein change: p.Met151Thr; replaces methionine 151 with threonine.
Molecular consequence: missense variant.
Genome position (GRCh38, 1-based): chr17:63,917,764, A>G on the plus strand (T>C on the coding strand, the complement: GH1 is on the minus strand). VCF-style: chr17-63917764-A-G. GRCh37 (hg19) VCF-style: chr17-61995124-A-G.
Other names: c.407T>C, p.Met136Thr (NM_022559.4); c.332T>C, p.Met111Thr (NM_022560.4); short protein forms M111T, M136T, M151T.
Identifiers: ClinVar variation 1679136 (VCV001679136.1), dbSNP rs1180054712, ClinGen allele CA400611450.

ClinVar aggregate classification (germline): Uncertain significance (1 of 4 stars; one submission).

Conditions:
Autosomal dominant isolated somatotropin deficiency (IGHD2). Also called: Idiopathic Growth Hormone Deficiency Type II; IGHD II. Identifiers: Orphanet 231679, Orphanet 631, MedGen C0271567, MONDO:0008250, OMIM 173100.

Allele frequency attached by ClinVar (database versions not stated): gnomAD exomes below 0.00001.

Submission:

Institute of Human Genetics, University of Leipzig Medical Center
Classification: Uncertain significance for Autosomal dominant isolated somatotropin deficiency. Last evaluated: 2022-04-27. Review status: criteria provided, single submitter. Criteria: ACMG Guidelines, 2015. Collection method: clinical testing. Allele origin: unknown. Affected: yes.
Comment: _x000D_ Criteria applied: PM1_SUP